The following is an entry in ClinVar:

ClinVar aggregate classification (germline): Uncertain significance (1 of 4 stars; one submission).

Conditions:
Bloom syndrome (BLM). Also called: Bloom-Torre-Machacek syndrome. Identifiers: Orphanet 125, MedGen C0005859, MONDO:0008876, OMIM 210900.

Allele frequency attached by ClinVar (database versions not stated): gnomAD exomes below 0.00001; gnomAD 0.00001; TOPMed 0.00002.
gnomAD v4.1: 3 of 1,614,000 alleles (0.00019%); highest among the groups gnomAD compares: African/African-American, 0.004%; no homozygotes.

Submission:

Labcorp Genetics (formerly Invitae), Labcorp
Classification: Uncertain significance for Bloom syndrome. Last evaluated: 2021-08-28. Review status: criteria provided, single submitter. Criteria: Invitae Variant Classification Sherloc (09022015). Collection method: clinical testing. Allele origin: germline.
Comment: This sequence change replaces asparagine with isoleucine at codon 523 of the BLM protein (p.Asn523Ile). The asparagine residue is weakly conserved and there is a large physicochemical difference between asparagine and isoleucine. This variant is not present in population databases (ExAC no frequency). This variant has not been reported in the literature in individuals affected with BLM-related conditions. Algorithms developed to predict the effect of missense changes on protein structure and function are either unavailable or do not agree on the potential impact of this missense change (SIFT: "Deleterious"; PolyPhen-2: "Benign"; Align-GVGD: "Class C0"). In summary, the available evidence is currently insufficient to determine the role of this variant in disease. Therefore, it has been classified as a Variant of Uncertain Significance.

NM_000057.4(BLM):c.1568A>T (p.Asn523Ile)

Gene: BLM (BLM RecQ like helicase; plus strand). Cytogenetic location: 15q26.1.
Variant type: single nucleotide variant.
Coding change: c.1568A>T on transcript NM_000057.4 (MANE Select); coding-DNA position 1568, A replaced by T.
Protein change: p.Asn523Ile; replaces asparagine 523 with isoleucine.
Molecular consequence: missense variant.
Genome position (GRCh38, 1-based): chr15:90,760,941, A>T. VCF-style: chr15-90760941-A-T. GRCh37 (hg19) VCF-style: chr15-91304171-A-T.
Other names: c.1568A>T, p.Asn523Ile (NM_001287247.2, NM_001287246.2); c.443A>T, p.Asn148Ile (NM_001287248.2); short protein forms N523I, N148I.
Identifiers: ClinVar variation 579893 (VCV000579893.6), dbSNP rs1385248707, ClinGen allele CA393843347.